The following is an entry in ClinVar:

ClinVar aggregate classification (germline): Uncertain significance (1 of 4 stars; one submission).

Allele frequency attached by ClinVar (database versions not stated): TOPMed below 0.00001.

Submission:

Labcorp Genetics (formerly Invitae), Labcorp
Classification: Uncertain significance. Last evaluated: 2025-04-28. Review status: criteria provided, single submitter. Criteria: Invitae Variant Classification Sherloc (09022015). Collection method: clinical testing. Allele origin: germline.
Comment: This sequence change replaces glycine, which is neutral and non-polar, with aspartic acid, which is acidic and polar, at codon 634 of the BCL11B protein (p.Gly634Asp). This variant is not present in population databases (gnomAD no frequency). This variant has not been reported in the literature in individuals affected with BCL11B-related conditions. ClinVar contains an entry for this variant (Variation ID: 2766209). Invitae Evidence Modeling of protein sequence and biophysical properties (such as structural, functional, and spatial information, amino acid conservation, physicochemical variation, residue mobility, and thermodynamic stability) indicates that this missense variant is not expected to disrupt BCL11B protein function with a negative predictive value of 95%. In summary, the available evidence is currently insufficient to determine the role of this variant in disease. Therefore, it has been classified as a Variant of Uncertain Significance.

NM_138576.4(BCL11B):c.1901G>A (p.Gly634Asp)

Gene: BCL11B (BCL11 transcription factor B; minus strand). Cytogenetic location: 14q32.2.
Variant type: single nucleotide variant.
Coding change: c.1901G>A on transcript NM_138576.4 (MANE Select); coding-DNA position 1901, G replaced by A.
Protein change: p.Gly634Asp; replaces glycine 634 with aspartic acid.
Molecular consequence: missense variant.
Genome position (GRCh38, 1-based): chr14:99,174,935, C>T on the plus strand (G>A on the coding strand, the complement: BCL11B is on the minus strand). VCF-style: chr14-99174935-C-T. GRCh37 (hg19) VCF-style: chr14-99641272-C-T.
Other names: c.1898G>A, p.Gly633Asp (NM_001282237.2); c.1685G>A, p.Gly562Asp (NM_001282238.2); c.1688G>A, p.Gly563Asp (NM_022898.3); short protein forms G563D, G562D, G633D, G634D.
Identifiers: ClinVar variation 2766209 (VCV002766209.3), dbSNP rs1158353234, ClinGen allele CA390934375.